The following is an entry in ClinVar:

NM_001556.3(IKBKB):c.163C>T (p.Arg55Ter)

Gene: IKBKB (inhibitor of nuclear factor kappa B kinase subunit beta; plus strand). Cytogenetic location: 8p11.21.
Variant type: single nucleotide variant.
Coding change: c.163C>T on transcript NM_001556.3 (MANE Select); coding-DNA position 163, C replaced by T.
Protein change: p.Arg55Ter; replaces arginine 55 with a stop codon.
Molecular consequence: nonsense. On other transcripts: 5 prime UTR variant (1), non-coding transcript variant (3), intron variant (1).
Genome position (GRCh38, 1-based): chr8:42,288,691, C>T. VCF-style: chr8-42288691-C-T. GRCh37 (hg19) VCF-style: chr8-42146209-C-T.
Other names: c.-30C>T (NM_001190720.3); c.24-1465C>T (NM_001242778.2); short protein forms R55*.
Identifiers: ClinVar variation 1357742 (VCV001357742.6), dbSNP rs1190950389, ClinGen allele CA371092552.

ClinVar aggregate classification (germline): Pathogenic (1 of 4 stars; one submission).

Conditions:
Severe combined immunodeficiency due to IKK2 deficiency. Also called: Immunodeficiency 15; IMMUNODEFICIENCY 15B. Identifiers: Orphanet 397787, MedGen C4747743, MONDO:0014267, OMIM 615592.

Submission:

Labcorp Genetics (formerly Invitae), Labcorp
Classification: Pathogenic for Severe combined immunodeficiency due to IKK2 deficiency. Last evaluated: 2023-08-04. Review status: criteria provided, single submitter. Criteria: Invitae Variant Classification Sherloc (09022015). Collection method: clinical testing. Allele origin: germline.
Comment: This sequence change creates a premature translational stop signal (p.Arg55*) in the IKBKB gene. It is expected to result in an absent or disrupted protein product. Loss-of-function variants in IKBKB are known to be pathogenic (PMID: 24369075, 24679846). This variant is not present in population databases (gnomAD no frequency). This variant has not been reported in the literature in individuals affected with IKBKB-related conditions. ClinVar contains an entry for this variant (Variation ID: 1357742). For these reasons, this variant has been classified as Pathogenic.

Literature cited by the submitters: PubMed 24369075; PubMed 24679846.